The following is an entry in ClinVar:

NM_017986.4(SLC52A1):c.64G>T (p.Gly22Cys)

Gene: SLC52A1 (solute carrier family 52 member 1; minus strand). Cytogenetic location: 17p13.2.
Variant type: single nucleotide variant.
Coding change: c.64G>T on transcript NM_017986.4 (MANE Select); coding-DNA position 64, G replaced by T.
Protein change: p.Gly22Cys; replaces glycine 22 with cysteine.
Molecular consequence: missense variant.
Genome position (GRCh38, 1-based): chr17:5,034,543, C>A on the plus strand (G>T on the coding strand, the complement: SLC52A1 is on the minus strand). VCF-style: chr17-5034543-C-A. GRCh37 (hg19) VCF-style: chr17-4937838-C-A.
Other names: c.64G>T, p.Gly22Cys (NM_001104577.2); short protein forms G22C.
Identifiers: ClinVar variation 3702282 (VCV003702282.2).

ClinVar aggregate classification (germline): Uncertain significance (1 of 4 stars; one submission).

Conditions:
Vitamin B2 deficiency. Identifiers: MedGen C0035528.

gnomAD v4.1: 1 of 1,614,184 alleles (0.000062%); no homozygotes.

Submission:

Labcorp Genetics (formerly Invitae), Labcorp
Classification: Uncertain significance for Vitamin B2 deficiency. Last evaluated: 2024-08-13. Review status: criteria provided, single submitter. Criteria: Invitae Variant Classification Sherloc (09022015). Collection method: clinical testing. Allele origin: germline.
Comment: This sequence change replaces glycine, which is neutral and non-polar, with cysteine, which is neutral and slightly polar, at codon 22 of the SLC52A1 protein (p.Gly22Cys). This variant is not present in population databases (gnomAD no frequency). This variant has not been reported in the literature in individuals affected with SLC52A1-related conditions. Advanced modeling of protein sequence and biophysical properties (such as structural, functional, and spatial information, amino acid conservation, physicochemical variation, residue mobility, and thermodynamic stability) performed at Invitae indicates that this missense variant is not expected to disrupt SLC52A1 protein function with a negative predictive value of 80%. In summary, the available evidence is currently insufficient to determine the role of this variant in disease. Therefore, it has been classified as a Variant of Uncertain Significance.